The following is an entry in ClinVar:

NM_004187.5(KDM5C):c.865A>C (p.Lys289Gln)

Gene: KDM5C (lysine demethylase 5C; minus strand). Cytogenetic location: Xp11.22.
Variant type: single nucleotide variant.
Coding change: c.865A>C on transcript NM_004187.5 (MANE Select); coding-DNA position 865, A replaced by C.
Protein change: p.Lys289Gln; replaces lysine 289 with glutamine.
Molecular consequence: missense variant. On other transcripts: non-coding transcript variant (3).
Genome position (GRCh38, 1-based): chrX:53,215,893, T>G on the plus strand (A>C on the coding strand, the complement: KDM5C is on the minus strand). VCF-style: chrX-53215893-T-G. GRCh37 (hg19) VCF-style: chrX-53245075-T-G.
Other names: c.664A>C, p.Lys222Gln (NM_001146702.2); c.862A>C, p.Lys288Gln (NM_001282622.3, NM_001353979.2, NM_001353982.2); c.865A>C, p.Lys289Gln (NM_001353978.3, NM_001353981.2, NM_001353984.2); short protein forms K222Q, K288Q, K289Q.
Identifiers: ClinVar variation 2716417 (VCV002716417.3), dbSNP rs782081983, ClinGen allele CA10419613.

ClinVar aggregate classification (germline): Uncertain significance (1 of 4 stars; one submission).

Conditions:
Spastic paraplegia. Identifiers: MedGen C0037772, HP:0001258.

gnomAD v4.1: 3 of 1,211,320 alleles (0.00025%); highest among the groups gnomAD compares: Admixed American, 0.0043%; no homozygotes.

Submission:

Labcorp Genetics (formerly Invitae), Labcorp
Classification: Uncertain significance for Spastic paraplegia. Last evaluated: 2022-12-15. Review status: criteria provided, single submitter. Criteria: Invitae Variant Classification Sherloc (09022015). Collection method: clinical testing. Allele origin: germline.
Comment: In summary, the available evidence is currently insufficient to determine the role of this variant in disease. Therefore, it has been classified as a Variant of Uncertain Significance. Advanced modeling of protein sequence and biophysical properties (such as structural, functional, and spatial information, amino acid conservation, physicochemical variation, residue mobility, and thermodynamic stability) performed at Invitae indicates that this missense variant is expected to disrupt KDM5C protein function. This variant has not been reported in the literature in individuals affected with KDM5C-related conditions. This variant is present in population databases (rs782081983, gnomAD 0.008%). This sequence change replaces lysine, which is basic and polar, with glutamine, which is neutral and polar, at codon 289 of the KDM5C protein (p.Lys289Gln).